The following is an entry in ClinVar:

ClinVar aggregate classification (germline): Likely benign. Review status: criteria provided, multiple submitters, no conflicts (2 of 4 stars). 5 submissions from 5 submitters: Likely benign (5). Last evaluated 2026-06-22.

Conditions:
DMD-related disorder. Also called: DMD-related condition.
Dilated cardiomyopathy 3B (CMD3B). Also called: CMD3B: DMD-Related Dilated Cardiomyopathy; CARDIOMYOPATHY, DILATED, X-LINKED; DMD-Associated Dilated Cardiomyopathy. Identifiers: Orphanet 154, MedGen C3668940, MONDO:0010542, OMIM 302045.
Duchenne muscular dystrophy (DMD). Also called: Duchenne Muscular Dystrophy (DMD); MUSCULAR DYSTROPHY, PSEUDOHYPERTROPHIC PROGRESSIVE, DUCHENNE TYPE. Identifiers: Orphanet 98896, MedGen C0013264, MONDO:0010679, OMIM 310200.
Becker muscular dystrophy (BMD). Also called: Becker Muscular Dystrophy (BMD); MUSCULAR DYSTROPHY, PSEUDOHYPERTROPHIC PROGRESSIVE, BECKER TYPE. Identifiers: Orphanet 98895, MedGen C0917713, MONDO:0010311, OMIM 300376.
Cardiovascular phenotype. Identifiers: MedGen CN230736.

Allele frequency attached by ClinVar (database versions not stated): ExAC 0.00001; gnomAD exomes 0.00001; TOPMed 0.00001; gnomAD 0.00003; ESP Exome Variant Server 0.00009.
gnomAD v4.1: 10 of 1,209,257 alleles (0.00083%); highest among the groups gnomAD compares: Non-Finnish European, 0.0011%; no homozygotes.

Submissions (5):

PreventionGenetics, part of Exact Sciences
Classification: Likely benign for DMD-related condition. Last evaluated: 2026-06-22. Review status: criteria provided, single submitter. Criteria: ACMG Guidelines, 2015. Collection method: clinical testing. Allele origin: germline.
Comment: This variant is classified as likely benign based on ACMG/AMP sequence variant interpretation guidelines (Richards et al. 2015 PMID: 25741868, with internal and published modifications).

Labcorp Genetics (formerly Invitae), Labcorp
Classification: Likely benign for Duchenne muscular dystrophy. Last evaluated: 2024-11-25. Review status: criteria provided, single submitter. Criteria: Invitae Variant Classification Sherloc (09022015). Collection method: clinical testing. Allele origin: germline.

Fulgent Genetics
Classification: Likely benign for Becker muscular dystrophy; Dilated cardiomyopathy 3B; Duchenne muscular dystrophy. Last evaluated: 2021-09-01. Review status: criteria provided, single submitter. Criteria: ACMG Guidelines, 2015. Collection method: clinical testing. Allele origin: unknown.

Ambry Genetics
Classification: Likely benign for Cardiovascular phenotype. Last evaluated: 2021-01-07. Review status: criteria provided, single submitter. Criteria: Ambry Variant Classification Scheme 2023. Collection method: clinical testing. Allele origin: germline.

GeneDx
Classification: Likely benign. Last evaluated: 2019-02-19. Review status: criteria provided, single submitter. Criteria: GeneDx Variant Classification Process June 2021. Collection method: clinical testing. Allele origin: germline. Affected: yes.

NM_004006.3(DMD):c.6726A>G (p.Lys2242=)

Gene: DMD (dystrophin; minus strand). Cytogenetic location: Xp21.1.
Variant type: single nucleotide variant.
Coding change: c.6726A>G on transcript NM_004006.3 (MANE Select); coding-DNA position 6726, A replaced by G.
Protein change: p.Lys2242=; no amino-acid change (lysine 2242 retained).
Molecular consequence: synonymous variant. On other transcripts: 5 prime UTR variant (5).
Genome position (GRCh38, 1-based): chrX:31,932,116, T>C on the plus strand (A>G on the coding strand, the complement: DMD is on the minus strand). VCF-style: chrX-31932116-T-C. GRCh37 (hg19) VCF-style: chrX-31950233-T-C.
Other names: c.6702A>G, p.Lys2234= (NM_000109.4); c.6714A>G, p.Lys2238= (NM_004009.3); c.6357A>G, p.Lys2119= (NM_004010.3); c.2703A>G, p.Lys901= (NM_004011.4); c.2694A>G, p.Lys898= (NM_004012.4); c.-655A>G (NM_004013.3, NM_004020.4, NM_004021.3 and 2 more transcripts).
Identifiers: ClinVar variation 509634 (VCV000509634.12), dbSNP rs145993057, ClinGen allele CA10378415.